The following is an entry in ClinVar:

NM_015202.5(KATNIP):c.1113+4C>A

Gene: KATNIP (katanin interacting protein; plus strand). Cytogenetic location: 16p12.1.
Variant type: single nucleotide variant.
Coding change: c.1113+4C>A on transcript NM_015202.5 (MANE Select); 4 bases into the intron after coding-DNA position 1113, C replaced by A.
Molecular consequence: intron variant.
Genome position (GRCh38, 1-based): chr16:27,698,504, C>A. VCF-style: chr16-27698504-C-A. GRCh37 (hg19) VCF-style: chr16-27709825-C-A.
Other names: c.1113+4C>A (NM_015202.3).
Identifiers: ClinVar variation 2080700 (VCV002080700.4), dbSNP rs12920169, ClinGen allele CA7977570.
Genomic context (GRCh38, chr16:27,698,504, plus strand): 5'-GCCCTGCAGAGGGCGCTCCTCAGCAGAAAGGCCGAGCAGCCAGCCAGCCCACTGCAGGTG[C>A]GCTCCGGGCTGGGAGAGGAACCGGGGGATGCTCCCTGGACTGGGCAGTGTCTGAGCTGCA-3'

ClinVar aggregate classification (germline): Conflicting classifications of pathogenicity. Review status: criteria provided, conflicting classifications (1 of 4 stars). 3 submissions from 3 submitters: Uncertain significance (1); Likely benign (1). 1 of the submissions does not count toward it. Last evaluated 2024-10-31.

Conditions:
KATNIP-related disorder. Also called: KATNIP-related condition.

Allele frequency attached by ClinVar (database versions not stated): 1000 Genomes Project 30x 0.00094; 1000 Genomes Project 0.00100.
gnomAD v4.1: 266 of 1,601,316 alleles (0.017%); highest among the groups gnomAD compares: Middle Eastern, 0.44%; no homozygotes.

Submissions (3):

Blueprint Genetics
Classification: Likely benign. Last evaluated: 2024-10-31. Review status: criteria provided, single submitter. Criteria: ACMG Guidelines, 2015. Collection method: clinical testing. Allele origin: germline.

Labcorp Genetics (formerly Invitae), Labcorp
Classification: Uncertain significance. Last evaluated: 2022-08-10. Review status: criteria provided, single submitter. Criteria: Invitae Variant Classification Sherloc (09022015). Collection method: clinical testing. Allele origin: germline.
Comment: This sequence change falls in intron 9 of the KIAA0556 gene. It does not directly change the encoded amino acid sequence of the KIAA0556 protein. It affects a nucleotide within the consensus splice site. This variant is present in population databases (rs12920169, gnomAD 0.08%). This variant has not been reported in the literature in individuals affected with KIAA0556-related conditions. Variants that disrupt the consensus splice site are a relatively common cause of aberrant splicing (PMID: 17576681, 9536098). Algorithms developed to predict the effect of sequence changes on RNA splicing suggest that this variant is not likely to affect RNA splicing. In summary, the available evidence is currently insufficient to determine the role of this variant in disease. Therefore, it has been classified as a Variant of Uncertain Significance.

PreventionGenetics, part of Exact Sciences
Classification: Likely benign for KATNIP-related condition. Last evaluated: 2019-03-21. Review status: no assertion criteria provided. Collection method: clinical testing. Allele origin: germline. Not counted in ClinVar's aggregate classification.
Comment: This variant is classified as likely benign based on ACMG/AMP sequence variant interpretation guidelines (Richards et al. 2015 PMID: 25741868, with internal and published modifications).

Literature cited by the submitters: PubMed 17576681 (cited by Labcorp Genetics (formerly Invitae), Labcorp); PubMed 9536098 (cited by Labcorp Genetics (formerly Invitae), Labcorp).